The following is an entry in ClinVar:

NM_006929.5(SKIC2):c.794C>T (p.Ala265Val)

Gene: SKIC2 (SKI2 subunit of superkiller complex; plus strand). Cytogenetic location: 6p21.33.
Variant type: single nucleotide variant.
Coding change: c.794C>T on transcript NM_006929.5 (MANE Select); coding-DNA position 794, C replaced by T.
Protein change: p.Ala265Val; replaces alanine 265 with valine.
Molecular consequence: missense variant.
Genome position (GRCh38, 1-based): chr6:31,961,551, C>T. VCF-style: chr6-31961551-C-T. GRCh37 (hg19) VCF-style: chr6-31929328-C-T.
Other names: short protein forms A265V.
Identifiers: ClinVar variation 1484698 (VCV001484698.6), dbSNP rs531553926, ClinGen allele CA3729261.

ClinVar aggregate classification (germline): Uncertain significance (1 of 4 stars; one submission).

Allele frequency attached by ClinVar (database versions not stated): gnomAD exomes 0.00001 and 0.00002; ExAC 0.00002; gnomAD 0.00002 and 0.00004; 1000 Genomes Project 30x 0.00016; 1000 Genomes Project 0.00020.
gnomAD v4.1: 24 of 1,595,972 alleles (0.0015%); highest among the groups gnomAD compares: East Asian, 0.011%; no homozygotes.

Submission:

Labcorp Genetics (formerly Invitae), Labcorp
Classification: Uncertain significance. Last evaluated: 2024-12-16. Review status: criteria provided, single submitter. Criteria: Invitae Variant Classification Sherloc (09022015). Collection method: clinical testing. Allele origin: germline.
Comment: This sequence change replaces alanine, which is neutral and non-polar, with valine, which is neutral and non-polar, at codon 265 of the SKIV2L protein (p.Ala265Val). This variant is present in population databases (rs531553926, gnomAD 0.006%). This variant has not been reported in the literature in individuals affected with SKIV2L-related conditions. ClinVar contains an entry for this variant (Variation ID: 1484698). An algorithm developed to predict the effect of missense changes on protein structure and function (PolyPhen-2) suggests that this variant¬†is likely to be tolerated. In summary, the available evidence is currently insufficient to determine the role of this variant in disease. Therefore, it has been classified as a Variant of Uncertain Significance.